The following is an entry in ClinVar:

ClinVar aggregate classification (germline): Conflicting classifications of pathogenicity. Review status: criteria provided, conflicting classifications (1 of 4 stars). 4 submissions from 4 submitters: Uncertain significance (3); Likely benign (1). Last evaluated 2025-12-21.

Conditions:
Cardiovascular phenotype. Identifiers: MedGen CN230736.
Catecholaminergic polymorphic ventricular tachycardia 1. Also called: VENTRICULAR TACHYCARDIA, STRESS-INDUCED POLYMORPHIC 1; VENTRICULAR TACHYCARDIA, CATECHOLAMINERGIC POLYMORPHIC, 1, WITH OR WITHOUT ATRIAL DYSFUNCTION AND/OR DILATED CARDIOMYOPATHY; RYR2-Related Catecholaminergic Polymorphic Ventricular Tachycardia. Identifiers: Orphanet 3286, MedGen C1631597, MONDO:0011484, OMIM 604772.
Catecholaminergic polymorphic ventricular tachycardia (CVPT). Also called: Catecholamine-induced polymorphic ventricular tachycardia. Identifiers: Orphanet 3286, MedGen C5574922, MONDO:0017990.

Allele frequency attached by ClinVar (database versions not stated): TOPMed below 0.00001; gnomAD 0.00002.
gnomAD v4.1: 3 of 1,611,446 alleles (0.00019%); highest among the groups gnomAD compares: African/African-American, 0.004%; no homozygotes.

Submissions (4):

Labcorp Genetics (formerly Invitae), Labcorp
Classification: Likely benign for Catecholaminergic polymorphic ventricular tachycardia 1. Last evaluated: 2025-12-21. Review status: criteria provided, single submitter. Criteria: Invitae Variant Classification Sherloc (09022015). Collection method: clinical testing. Allele origin: germline.

GeneDx
Classification: Uncertain significance. Last evaluated: 2025-03-09. Review status: criteria provided, single submitter. Criteria: GeneDx Variant Classification Process June 2021. Collection method: clinical testing. Allele origin: germline. Affected: yes.
Comment: In silico analysis supports that this missense variant has a deleterious effect on protein structure/function; Has not been previously published as pathogenic or benign to our knowledge; Not located in one of the three hot-spot regions of the RYR2 gene, where the majority of pathogenic missense variants occur (PMID: 19926015); This variant is associated with the following publications: (PMID: 19926015)

All of Us Research Program, National Institutes of Health
Classification: Uncertain significance for Catecholaminergic polymorphic ventricular tachycardia. Last evaluated: 2024-09-27. Review status: criteria provided, single submitter. Criteria: ACMG Guidelines, 2015. Collection method: clinical testing. Allele origin: germline. Inheritance: Autosomal dominant inheritance. Observed: 2 variant alleles, 2 heterozygotes.
Comment: This missense variant replaces proline with serine at codon 1535 of the RYR2 protein. Computational prediction is inconclusive regarding the impact of this variant on protein structure and function (internally defined REVEL score threshold 0.5 < inconclusive < 0.7, PMID: 27666373). To our knowledge, functional studies have not been reported for this variant. This variant has not been reported in individuals affected with RYR2-related disorders in the literature. This variant has been identified in 2/31390 chromosomes in the general population by the Genome Aggregation Database (gnomAD). The available evidence is insufficient to determine the role of this variant in disease conclusively. Therefore, this variant is classified as a Variant of Uncertain Significance.

This study involves interpretation of variants in research participants for the purpose of population health screening. Participant phenotype was not available at the time of variant classification. Additional details can be found in publication PMID: 35346344, PMCID: PMC8962531

Ambry Genetics
Classification: Uncertain significance for Cardiovascular phenotype. Last evaluated: 2021-01-05. Review status: criteria provided, single submitter. Criteria: Ambry Variant Classification Scheme 2023. Collection method: clinical testing. Allele origin: germline.
Comment: The p.P1535S variant (also known as c.4603C>T), located in coding exon 35 of the RYR2 gene, results from a C to T substitution at nucleotide position 4603. The proline at codon 1535 is replaced by serine, an amino acid with similar properties. This amino acid position is highly conserved in available vertebrate species. In addition, the in silico prediction for this alteration is inconclusive. Since supporting evidence is limited at this time, the clinical significance of this alteration remains unclear.

NM_001035.3(RYR2):c.4603C>T (p.Pro1535Ser)

Gene: RYR2 (ryanodine receptor 2; plus strand). Cytogenetic location: 1q43.
Variant type: single nucleotide variant.
Coding change: c.4603C>T on transcript NM_001035.3 (MANE Select); coding-DNA position 4603, C replaced by T.
Protein change: p.Pro1535Ser; replaces proline 1535 with serine.
Molecular consequence: missense variant.
Genome position (GRCh38, 1-based): chr1:237,602,031, C>T. VCF-style: chr1-237602031-C-T. GRCh37 (hg19) VCF-style: chr1-237765331-C-T.
Other names: short protein forms P1535S.
Identifiers: ClinVar variation 1408851 (VCV001408851.12), dbSNP rs1376021262, ClinGen allele CA345401534.
Genomic context (GRCh38, chr1:237,602,031, plus strand): 5'-TTCCCTTGTCTTGTTTCATTACTAACATTATTAAATTCATTAAATGTATTTCAGGTGGAA[C>T]CGAGTACAAAATTATTTCCTGCGGTTTTTGCACAAGCTACAAGTCCCAATGTTTTCCAGT-3'
Protein context (NP_001026.2, residues 1525-1545): KELSTYYQVE[Pro1535Ser]STKLFPAVFA